The following is an entry in ClinVar:

ClinVar aggregate classification (germline): Uncertain significance. Review status: criteria provided, multiple submitters, no conflicts (2 of 4 stars). 2 submissions from 2 submitters: Uncertain significance (2). Last evaluated 2024-07-16.

Conditions:
Neurofibromatosis, type 2 (SWNV). Also called: BILATERAL ACOUSTIC NEUROFIBROMATOSIS; SCHWANNOMATOSIS, VESTIBULAR; NF2-Related Schwannomatosis. Identifiers: Orphanet 637, MedGen C0027832, MONDO:0007039, OMIM 101000. Disease mechanism: loss of function.
Hereditary cancer-predisposing syndrome. Also called: Hereditary neoplastic syndrome; Hereditary Cancer Syndrome; Tumor predisposition; Neoplastic Syndromes, Hereditary. Identifiers: Orphanet 140162, MedGen C0027672, MeSH D009386, MONDO:0015356.

Submissions (2):

Labcorp Genetics (formerly Invitae), Labcorp
Classification: Uncertain significance for Neurofibromatosis, type 2. Last evaluated: 2024-07-16. Review status: criteria provided, single submitter. Criteria: Invitae Variant Classification Sherloc (09022015). Collection method: clinical testing. Allele origin: germline.
Comment: This sequence change replaces methionine, which is neutral and non-polar, with leucine, which is neutral and non-polar, at codon 33 of the NF2 protein (p.Met33Leu). This variant is not present in population databases (gnomAD no frequency). This variant has not been reported in the literature in individuals affected with NF2-related conditions. ClinVar contains an entry for this variant (Variation ID: 2453836). Advanced modeling of protein sequence and biophysical properties (such as structural, functional, and spatial information, amino acid conservation, physicochemical variation, residue mobility, and thermodynamic stability) performed at Invitae indicates that this missense variant is not expected to disrupt NF2 protein function with a negative predictive value of 80%. In summary, the available evidence is currently insufficient to determine the role of this variant in disease. Therefore, it has been classified as a Variant of Uncertain Significance.

Ambry Genetics
Classification: Uncertain significance for Hereditary cancer-predisposing syndrome. Last evaluated: 2023-01-28. Review status: criteria provided, single submitter. Criteria: Ambry Variant Classification Scheme 2023. Collection method: clinical testing. Allele origin: germline.
Comment: The p.M33L variant (also known as c.97A>T), located in coding exon 1 of the NF2 gene, results from an A to T substitution at nucleotide position 97. The methionine at codon 33 is replaced by leucine, an amino acid with highly similar properties. This amino acid position is conserved. In addition, the in silico prediction for this alteration is inconclusive. Since supporting evidence is limited at this time, the clinical significance of this alteration remains unclear.

NM_000268.4(NF2):c.97A>T (p.Met33Leu)

Gene: NF2 (NF2, moesin-ezrin-radixin like (MERLIN) tumor suppressor; plus strand). Cytogenetic location: 22q12.2.
Variant type: single nucleotide variant.
Coding change: c.97A>T on transcript NM_000268.4 (MANE Select); coding-DNA position 97, A replaced by T.
Protein change: p.Met33Leu; replaces methionine 33 with leucine.
Molecular consequence: missense variant. On other transcripts: 5 prime UTR variant (4), non-coding transcript variant (1).
Genome position (GRCh38, 1-based): chr22:29,604,095, A>T. VCF-style: chr22-29604095-A-T. GRCh37 (hg19) VCF-style: chr22-30000084-A-T.
Other names: c.-134A>T (NM_001407053.1, NM_001407056.1); c.97A>T, p.Met33Leu (NM_001407054.1, NM_001407055.1, NM_001407057.1 and 15 more transcripts); c.-544A>T (NM_001407065.1); c.-160A>T (NM_001407067.1); short protein forms M33L.
Identifiers: ClinVar variation 2453836 (VCV002453836.4), dbSNP rs2064718134, ClinGen allele CA411146250.